The following is an entry in ClinVar:

ClinVar aggregate classification (germline): Conflicting classifications of pathogenicity. Review status: criteria provided, conflicting classifications (1 of 4 stars). 3 submissions from 3 submitters: Uncertain significance (1); Likely benign (2). Last evaluated 2026-03-01.

Conditions:
Inborn genetic diseases. Identifiers: MedGen C0950123, MeSH D030342.

Allele frequency attached by ClinVar (database versions not stated): gnomAD exomes 0.00029 and 0.00044; ExAC 0.00033; ESP Exome Variant Server 0.00038; TOPMed 0.00056; 1000 Genomes Project 30x 0.00062; gnomAD 0.00064 and 0.00067; 1000 Genomes Project 0.00080.
gnomAD v4.1: 750 of 1,613,694 alleles (0.046%); highest among the groups gnomAD compares: East Asian, 0.17%; 1 homozygote.

Submissions (3):

CeGaT Center for Human Genetics Tuebingen
Classification: Likely benign. Last evaluated: 2026-03-01. Review status: criteria provided, single submitter. Criteria: CeGaT Center For Human Genetics Tuebingen Variant Classification Criteria Version 2. Collection method: clinical testing. Allele origin: germline. Affected: yes. Observed: 1 variant allele.
Comment: CLCNKB: BP4, BP7

Labcorp Genetics (formerly Invitae), Labcorp
Classification: Uncertain significance. Last evaluated: 2024-11-25. Review status: criteria provided, single submitter. Criteria: Invitae Variant Classification Sherloc (09022015). Collection method: clinical testing. Allele origin: germline.
Comment: This sequence change affects codon 541 of the CLCNKB mRNA. It is a 'silent' change, meaning that it does not change the encoded amino acid sequence of the CLCNKB protein. It affects a nucleotide within the consensus splice site. This variant is present in population databases (rs140560320, gnomAD 0.1%). This variant has not been reported in the literature in individuals affected with CLCNKB-related conditions. ClinVar contains an entry for this variant (Variation ID: 1376397). Algorithms developed to predict the effect of sequence changes on RNA splicing suggest that this variant is not likely to affect RNA splicing. In summary, the available evidence is currently insufficient to determine the role of this variant in disease. Therefore, it has been classified as a Variant of Uncertain Significance.

Ambry Genetics
Classification: Likely benign for Inborn genetic diseases. Last evaluated: 2023-10-05. Review status: criteria provided, single submitter. Criteria: Ambry Variant Classification Scheme 2023. Collection method: clinical testing. Allele origin: germline.

NM_000085.5(CLCNKB):c.1623T>C (p.Gly541=)

Genes: CLCNKB (chloride voltage-gated channel Kb; plus strand), LOC106501713 (CLCNKB recombination region; plus strand). Cytogenetic location: 1p36.13.
Variant type: single nucleotide variant.
Coding change: c.1623T>C on transcript NM_000085.5 (MANE Select); coding-DNA position 1623, T replaced by C.
Protein change: p.Gly541=; no amino-acid change (glycine 541 retained).
Molecular consequence: synonymous variant.
Genome position (GRCh38, 1-based): chr1:16,053,639, T>C. VCF-style: chr1-16053639-T-C. GRCh37 (hg19) VCF-style: chr1-16380134-T-C.
Other names: c.1116T>C, p.Gly372= (NM_001165945.2); c.1623T>C (NM_000085.3).
Identifiers: ClinVar variation 1376397 (VCV001376397.9), dbSNP rs140560320, ClinGen allele CA623967.